The following is an entry in ClinVar:

ClinVar aggregate classification (germline): Benign/Likely benign. Review status: criteria provided, multiple submitters, no conflicts (2 of 4 stars). 4 submissions from 4 submitters: Benign (1); Likely benign (3). Last evaluated 2026-01-06.

Conditions:
Intestinal hypomagnesemia 1. Also called: HYPOMAGNESEMIA, INTESTINAL, WITH SECONDARY HYPOCALCEMIA; HYPOMAGNESEMIC TETANY. Identifiers: Orphanet 30924, MedGen C1865974, MONDO:0011176, OMIM 602014.

Allele frequency attached by ClinVar (database versions not stated): gnomAD exomes 0.00028 and 0.00066; ExAC 0.00086; 1000 Genomes Project 0.00240; gnomAD 0.00256 and 0.00280; 1000 Genomes Project 30x 0.00265; TOPMed 0.00286; ESP Exome Variant Server 0.00308.
gnomAD v4.1: 823 of 1,614,164 alleles (0.051%); highest among the groups gnomAD compares: African/African-American, 0.88%; 6 homozygotes.

Submissions (4):

Labcorp Genetics (formerly Invitae), Labcorp
Classification: Likely benign. Last evaluated: 2026-01-06. Review status: criteria provided, single submitter. Criteria: Invitae Variant Classification Sherloc (09022015). Collection method: clinical testing. Allele origin: germline.

Blueprint Genetics
Classification: Likely benign. Last evaluated: 2024-11-26. Review status: criteria provided, single submitter. Criteria: ACMG Guidelines, 2015. Collection method: clinical testing. Allele origin: germline.

Illumina Laboratory Services, Illumina
Classification: Benign for Intestinal hypomagnesemia 1. Last evaluated: 2017-04-27. Review status: criteria provided, single submitter. Criteria: ICSL Variant Classification Criteria 13 December 2019. Collection method: clinical testing. Allele origin: germline.
Comment: This variant was observed as part of a predisposition screen in an ostensibly healthy population. A literature search was performed for the gene, cDNA change, and amino acid change (where applicable). No publications were found based on this search. Allele frequency data from public databases was too high to be consistent with this variant causing disease. Therefore, this variant is classified as benign.

Breakthrough Genomics
Classification: Likely benign. Review status: criteria provided, single submitter. Criteria: ACMG Guidelines, 2015. Collection method: not provided. Allele origin: germline. Inheritance: Autosomal recessive inheritance. Affected: yes.

NM_017662.5(TRPM6):c.268A>T (p.Ser90Cys)

Gene: TRPM6 (transient receptor potential cation channel subfamily M member 6; minus strand). Cytogenetic location: 9q21.13.
Variant type: single nucleotide variant.
Coding change: c.268A>T on transcript NM_017662.5 (MANE Select); coding-DNA position 268, A replaced by T.
Protein change: p.Ser90Cys; replaces serine 90 with cysteine.
Molecular consequence: missense variant.
Genome position (GRCh38, 1-based): chr9:74,842,228, T>A on the plus strand (A>T on the coding strand, the complement: TRPM6 is on the minus strand). VCF-style: chr9-74842228-T-A. GRCh37 (hg19) VCF-style: chr9-77457144-T-A.
Other names: c.253A>T, p.Ser85Cys (NM_001177310.2, NM_001177311.2); short protein forms S85C, S90C.
Identifiers: ClinVar variation 730003 (VCV000730003.15), dbSNP rs145791687, ClinGen allele CA5085180.